The following is an entry in ClinVar:

ClinVar aggregate classification (germline): Pathogenic (1 of 4 stars; one submission).

Submission:

Labcorp Genetics (formerly Invitae), Labcorp
Classification: Pathogenic. Last evaluated: 2019-09-11. Review status: criteria provided, single submitter. Criteria: Invitae Variant Classification Sherloc (09022015). Collection method: clinical testing. Allele origin: germline.
Comment: For these reasons, this variant has been classified as Pathogenic. Loss-of-function variants in EYS are known to be pathogenic (PMID: 18836446, 20333770). This variant has not been reported in the literature in individuals with EYS-related conditions. This variant is a gross deletion of the genomic region encompassing exons 4-8 of the EYS gene, which includes the initiator codon. The 5' end of this event is unknown as it extends beyond the assayed region for this gene and therefore may encompass additional genes. The 3' boundary is likely confined to intron 8 of the EYS gene. This is expected to result in an absent or disrupted protein product.

Literature cited by the submitters: PubMed 18836446; PubMed 20333770.

NC_000006.12:g.(?_65384386)_(65495410_?)del

Gene: EYS (eyes shut homolog; minus strand). Cytogenetic location: 6q12.
Variant type: Deletion.
Identifiers: ClinVar variation 833083 (VCV000833083.5).